The following is an entry in ClinVar:

NM_001042492.3(NF1):c.6486C>A (p.Tyr2162Ter)

Gene: NF1 (neurofibromin 1; plus strand). Cytogenetic location: 17q11.2.
Variant type: single nucleotide variant.
Coding change: c.6486C>A on transcript NM_001042492.3 (MANE Select); coding-DNA position 6486, C replaced by A.
Protein change: p.Tyr2162Ter; replaces tyrosine 2162 with a stop codon.
Molecular consequence: nonsense.
Genome position (GRCh38, 1-based): chr17:31,337,426, C>A. VCF-style: chr17-31337426-C-A. GRCh37 (hg19) VCF-style: chr17-29664444-C-A.
Other names: c.6423C>A, p.Tyr2141Ter (NM_000267.4); short protein forms Y2162*, Y2141*.
Identifiers: ClinVar variation 850401 (VCV000850401.6), dbSNP rs2069704625, ClinGen allele CA399013116.

ClinVar aggregate classification (germline): Pathogenic (1 of 4 stars; one submission).

Conditions:
Neurofibromatosis, type 1 (NF1). Also called: Neurofibromatosis, type I; VON RECKLINGHAUSEN DISEASE; Peripheral type neurofibromatosis; NEUROFIBROMATOSIS, TYPE I, SOMATIC. Identifiers: Orphanet 636, MedGen C0027831, MONDO:0018975, OMIM 162200. Disease mechanism: loss of function.

Submission:

Labcorp Genetics (formerly Invitae), Labcorp
Classification: Pathogenic for Neurofibromatosis, type 1. Last evaluated: 2024-02-27. Review status: criteria provided, single submitter. Criteria: Invitae Variant Classification Sherloc (09022015). Collection method: clinical testing. Allele origin: germline.
Comment: This sequence change creates a premature translational stop signal (p.Tyr2141*) in the NF1 gene. It is expected to result in an absent or disrupted protein product. Loss-of-function variants in NF1 are known to be pathogenic (PMID: 10712197, 23913538). This variant is not present in population databases (gnomAD no frequency). This variant has not been reported in the literature in individuals affected with NF1-related conditions. ClinVar contains an entry for this variant (Variation ID: 850401). For these reasons, this variant has been classified as Pathogenic.

Literature cited by the submitters: PubMed 10712197; PubMed 23913538.